The following is an entry in ClinVar:

NM_001267550.2(TTN):c.49567T>C (p.Phe16523Leu)

Genes: TTN (titin; minus strand), TTN-AS1 (TTN antisense RNA 1; plus strand). Cytogenetic location: 2q31.2.
Variant type: single nucleotide variant.
Coding change: c.49567T>C on transcript NM_001267550.2 (MANE Select); coding-DNA position 49567, T replaced by C.
Protein change: p.Phe16523Leu; replaces phenylalanine 16523 with leucine.
Molecular consequence: missense variant.
Genome position (GRCh38, 1-based): chr2:178,613,242, A>G on the plus strand (T>C on the coding strand, the complement: TTN is on the minus strand). VCF-style: chr2-178613242-A-G. GRCh37 (hg19) VCF-style: chr2-179477969-A-G.
Other names: c.44644T>C, p.Phe14882Leu (NM_001256850.1); c.22372T>C, p.Phe7458Leu (NM_003319.4); c.41863T>C, p.Phe13955Leu (NM_133378.4); c.22747T>C, p.Phe7583Leu (NM_133432.3); c.22948T>C, p.Phe7650Leu (NM_133437.4); short protein forms F16523L, F7458L, F13955L, F7583L, F14882L, F7650L.
Identifiers: ClinVar variation 519087 (VCV000519087.5), dbSNP rs1553700258, ClinGen allele CA349602275.

ClinVar aggregate classification (germline): Uncertain significance (1 of 4 stars; one submission).

Conditions:
Cardiovascular phenotype. Identifiers: MedGen CN230736.

Allele frequency attached by ClinVar (database versions not stated): gnomAD exomes below 0.00001.
gnomAD v4.1: 1 of 1,611,276 alleles (0.000062%); highest among the groups gnomAD compares: Non-Finnish European, 0.000085%; no homozygotes.

Submission:

Ambry Genetics
Classification: Uncertain significance for Cardiovascular phenotype. Last evaluated: 2017-10-13. Review status: criteria provided, single submitter. Criteria: Ambry Variant Classification Scheme 2023. Collection method: clinical testing. Allele origin: germline.
Comment: The p.F7458L variant (also known as c.22372T>C), located in coding exon 91 of the TTN gene, results from a T to C substitution at nucleotide position 22372. The phenylalanine at codon 7458 is replaced by leucine, an amino acid with highly similar properties. This amino acid position is highly conserved in available vertebrate species. In addition, this alteration is predicted to be tolerated by in silico analysis. Since supporting evidence is limited at this time, the clinical significance of this alteration remains unclear.